The following is an entry in ClinVar:

ClinVar aggregate classification (germline): Uncertain significance. Review status: criteria provided, multiple submitters, no conflicts (2 of 4 stars). 2 submissions from 2 submitters: Uncertain significance (2). Last evaluated 2024-10-03.

Allele frequency attached by ClinVar (database versions not stated): TOPMed below 0.00001.
gnomAD v4.1: 1 of 1,614,168 alleles (0.000062%); no homozygotes.

Submissions (2):

Blueprint Genetics
Classification: Uncertain significance. Last evaluated: 2024-10-03. Review status: criteria provided, single submitter. Criteria: ACMG Guidelines, 2015. Collection method: clinical testing. Allele origin: germline.

Labcorp Genetics (formerly Invitae), Labcorp
Classification: Uncertain significance. Last evaluated: 2023-09-13. Review status: criteria provided, single submitter. Criteria: Invitae Variant Classification Sherloc (09022015). Collection method: clinical testing. Allele origin: germline.
Comment: In summary, the available evidence is currently insufficient to determine the role of this variant in disease. Therefore, it has been classified as a Variant of Uncertain Significance. An algorithm developed to predict the effect of missense changes on protein structure and function (PolyPhen-2) suggests that this variant is likely to be disruptive. This variant has not been reported in the literature in individuals affected with CNGA1-related conditions. This variant is not present in population databases (gnomAD no frequency). This sequence change replaces lysine, which is basic and polar, with threonine, which is neutral and polar, at codon 621 of the CNGA1 protein (p.Lys621Thr).

NM_001379270.1(CNGA1):c.1850A>C (p.Lys617Thr)

Genes: CNGA1 (cyclic nucleotide gated channel subunit alpha 1; minus strand), LOC101927157 (uncharacterized LOC101927157; plus strand). Cytogenetic location: 4p12.
Variant type: single nucleotide variant.
Coding change: c.1850A>C on transcript NM_001379270.1 (MANE Select); coding-DNA position 1850, A replaced by C.
Protein change: p.Lys617Thr; replaces lysine 617 with threonine.
Molecular consequence: missense variant.
Genome position (GRCh38, 1-based): chr4:47,936,632, T>G on the plus strand (A>C on the coding strand, the complement: CNGA1 is on the minus strand). VCF-style: chr4-47936632-T-G. GRCh37 (hg19) VCF-style: chr4-47938649-T-G.
Other names: c.1850A>C, p.Lys617Thr (NM_000087.5, NM_001142564.2); short protein forms K617T.
Identifiers: ClinVar variation 3003766 (VCV003003766.4), dbSNP rs1738658953, ClinGen allele CA356823453.
Genomic context (GRCh38, chr4:47,936,632, plus strand): 5'-AACCTGGTTTGCAGGAGGTCTACTGACCCCTCCATTCGAGTAACCTTCTCTTCAAGATCT[T>G]TAGGATCACTGCCAGCATTTGCAATGTTTAGATCCAGTAGACCATCTTTCATTAAAATCT-3'
Protein context (NP_001366199.1, residues 607-627): LNIANAGSDP[Lys617Thr]DLEEKVTRME